The following is an entry in ClinVar:

ClinVar aggregate classification (germline): Uncertain significance (1 of 4 stars; one submission).

Conditions:
Paroxysmal nonkinesigenic dyskinesia. Also called: Paroxysmal non-kinesigenic dyskinesia. Identifiers: Orphanet 98810, MedGen C1869117, MONDO:0700088.

Allele frequency attached by ClinVar (database versions not stated): gnomAD 0.00001; ExAC 0.00002; TOPMed 0.00002.
gnomAD v4.1: 1 of 1,613,584 alleles (0.000062%); highest among the groups gnomAD compares: African/African-American, 0.0013%; no homozygotes.

Submission:

Labcorp Genetics (formerly Invitae), Labcorp
Classification: Uncertain significance for Paroxysmal nonkinesigenic dyskinesia. Last evaluated: 2024-02-18. Review status: criteria provided, single submitter. Criteria: Invitae Variant Classification Sherloc (09022015). Collection method: clinical testing. Allele origin: germline.
Comment: This sequence change replaces valine, which is neutral and non-polar, with methionine, which is neutral and non-polar, at codon 213 of the PNKD protein (p.Val213Met). This variant is present in population databases (rs763450388, gnomAD 0.01%). This variant has not been reported in the literature in individuals affected with PNKD-related conditions. ClinVar contains an entry for this variant (Variation ID: 2040417). Advanced modeling of protein sequence and biophysical properties (such as structural, functional, and spatial information, amino acid conservation, physicochemical variation, residue mobility, and thermodynamic stability) performed at Invitae indicates that this missense variant is not expected to disrupt PNKD protein function with a negative predictive value of 80%. In summary, the available evidence is currently insufficient to determine the role of this variant in disease. Therefore, it has been classified as a Variant of Uncertain Significance.

NM_015488.5(PNKD):c.637G>A (p.Val213Met)

Genes: CATIP-AS2 (CATIP antisense RNA 2; minus strand), PNKD (PNKD metallo-beta-lactamase domain containing; plus strand). Cytogenetic location: 2q35.
Variant type: single nucleotide variant.
Coding change: c.637G>A on transcript NM_015488.5 (MANE Select); coding-DNA position 637, G replaced by A.
Protein change: p.Val213Met; replaces valine 213 with methionine.
Molecular consequence: missense variant.
Genome position (GRCh38, 1-based): chr2:218,342,000, G>A. VCF-style: chr2-218342000-G-A. GRCh37 (hg19) VCF-style: chr2-219206723-G-A.
Other names: c.565G>A, p.Val189Met (NM_022572.5); short protein forms V189M, V213M.
Identifiers: ClinVar variation 2040417 (VCV002040417.4), dbSNP rs763450388, ClinGen allele CA2104049.